The following is an entry in ClinVar:

ClinVar aggregate classification (germline): Likely benign (1 of 4 stars; one submission).

Conditions:
Complex neurodevelopmental disorder. Identifiers: Orphanet 528084, MedGen C5568766, MONDO:0100038.

Submission:

Centre for Medical Genetics,  Mumbai
Classification: Likely benign for Complex neurodevelopmental disorder. Last evaluated: 2026-05-22. Review status: criteria provided, single submitter. Criteria: ACMG Guidelines, 2015. Collection method: provider interpretation. Allele origin: germline. Inheritance: Autosomal dominant inheritance. Affected: no. Observed: 1 variant allele, 1 heterozygote.
Comment: The variant satisfies PM2 criteria - extremely low frequency in gnomAD population databases. The variant satisfies PP2 criteria - missense variant in a gene with low rate of benign missense mutations and for which missense mutation is a common mechanism of a disease. The variant satisfies BP4 criteria - for a missense or a splice region variant, computational prediction tools unanimously support a benign effect on the gene. However, the variant satisfies BS2 criteria - present in heterozygous state in an individual that clinically does not have complex neurodevelopmental disorder.

Literature cited by the submitters: PMC PMC4505035.

NM_014633.5(CTR9):c.3457C>T (p.Pro1153Ser)

Gene: CTR9 (CTR9 component of Paf1/RNA polymerase II complex; plus strand). Cytogenetic location: 11p15.4.
Variant type: single nucleotide variant.
Coding change: c.3457C>T on transcript NM_014633.5 (MANE Select); coding-DNA position 3457, C replaced by T.
Protein change: p.Pro1153Ser; replaces proline 1153 with serine.
Molecular consequence: missense variant.
Genome position (GRCh38, 1-based): chr11:10,779,040, C>T. VCF-style: chr11-10779040-C-T. GRCh37 (hg19) VCF-style: chr11-10800587-C-T.
Other names: c.3385C>T, p.Pro1129Ser (NM_001346279.2); short protein forms P1129S, P1153S.
Identifiers: ClinVar variation 4852325 (VCV004852325.1).
Genomic context (GRCh38, chr11:10,779,040, plus strand): 5'-GAATCGGAGAGAGGATCTGATAATGAGGGTTCTGGCCAAGGCTCTGGAAATGAATCGGAA[C>T]CAGAGGGATCCAACAATGAGGCCTCAGATAGAGGCTCAGAACATGGGTCAGATGATAGTG-3'
Protein context (NP_055448.1, residues 1143-1163): SGQGSGNESE[Pro1153Ser]EGSNNEASDR